The following is an entry in ClinVar:

ClinVar aggregate classification (germline): Uncertain significance (1 of 4 stars; one submission).

Allele frequency attached by ClinVar (database versions not stated): gnomAD 0.00006.
gnomAD v4.1: 12 of 1,614,006 alleles (0.00074%); highest among the groups gnomAD compares: African/African-American, 0.016%; no homozygotes.

Submission:

Labcorp Genetics (formerly Invitae), Labcorp
Classification: Uncertain significance. Last evaluated: 2022-04-16. Review status: criteria provided, single submitter. Criteria: Invitae Variant Classification Sherloc (09022015). Collection method: clinical testing. Allele origin: germline.
Comment: This sequence change replaces arginine, which is basic and polar, with serine, which is neutral and polar, at codon 497 of the WHRN protein (p.Arg497Ser). This variant is present in population databases (rs558895210, gnomAD 0.01%). This variant has not been reported in the literature in individuals affected with WHRN-related conditions. Algorithms developed to predict the effect of missense changes on protein structure and function are either unavailable or do not agree on the potential impact of this missense change (SIFT: "Deleterious"; PolyPhen-2: "Benign"; Align-GVGD: "Class C35"). In summary, the available evidence is currently insufficient to determine the role of this variant in disease. Therefore, it has been classified as a Variant of Uncertain Significance.

NM_015404.4(WHRN):c.1491G>T (p.Arg497Ser)

Gene: WHRN (whirlin; minus strand). Cytogenetic location: 9q32.
Variant type: single nucleotide variant.
Coding change: c.1491G>T on transcript NM_015404.4 (MANE Select); coding-DNA position 1491, G replaced by T.
Protein change: p.Arg497Ser; replaces arginine 497 with serine.
Molecular consequence: missense variant.
Genome position (GRCh38, 1-based): chr9:114,423,449, C>A on the plus strand (G>T on the coding strand, the complement: WHRN is on the minus strand). VCF-style: chr9-114423449-C-A. GRCh37 (hg19) VCF-style: chr9-117185729-C-A.
Other names: c.342G>T, p.Arg114Ser (NM_001083885.3); c.1491G>T, p.Arg497Ser (NM_001173425.2); c.438G>T, p.Arg146Ser (NM_001346890.1); short protein forms R146S, R114S, R497S.
Identifiers: ClinVar variation 1908856 (VCV001908856.2), dbSNP rs558895210, ClinGen allele CA5205930.